The following is an entry in ClinVar:

NM_001378457.1(DMXL2):c.4436C>T (p.Thr1479Met)

Gene: DMXL2 (Dmx like 2; minus strand). Cytogenetic location: 15q21.2.
Variant type: single nucleotide variant.
Coding change: c.4436C>T on transcript NM_001378457.1 (MANE Select); coding-DNA position 4436, C replaced by T.
Protein change: p.Thr1479Met; replaces threonine 1479 with methionine.
Molecular consequence: missense variant. On other transcripts: non-coding transcript variant (2), intron variant (2).
Genome position (GRCh38, 1-based): chr15:51,498,788, G>A on the plus strand (C>T on the coding strand, the complement: DMXL2 is on the minus strand). VCF-style: chr15-51498788-G-A. GRCh37 (hg19) VCF-style: chr15-51790985-G-A.
Other names: c.4436C>T, p.Thr1479Met (NM_001174116.3, NM_001378458.1, NM_001378459.1 and 4 more transcripts); c.4196C>T, p.Thr1399Met (NM_001378464.1); c.2765-7041C>T (NM_001378460.1); c.2765-3654C>T (NM_001174117.3); short protein forms T1399M, T1479M.
Identifiers: ClinVar variation 1379521 (VCV001379521.3), dbSNP rs774209955, ClinGen allele CA7562015.

ClinVar aggregate classification (germline): Uncertain significance (1 of 4 stars; one submission).

Allele frequency attached by ClinVar (database versions not stated): gnomAD 0.00003; gnomAD exomes 0.00003 and 0.00004; ExAC 0.00004; TOPMed 0.00005.
gnomAD v4.1: 50 of 1,614,090 alleles (0.0031%); highest among the groups gnomAD compares: Admixed American, 0.01%; no homozygotes.

Submission:

Labcorp Genetics (formerly Invitae), Labcorp
Classification: Uncertain significance. Last evaluated: 2022-11-01. Review status: criteria provided, single submitter. Criteria: Invitae Variant Classification Sherloc (09022015). Collection method: clinical testing. Allele origin: germline.
Comment: This sequence change replaces threonine, which is neutral and polar, with methionine, which is neutral and non-polar, at codon 1479 of the DMXL2 protein (p.Thr1479Met). This variant is present in population databases (rs774209955, gnomAD 0.02%). This variant has not been reported in the literature in individuals affected with DMXL2-related conditions. ClinVar contains an entry for this variant (Variation ID: 1379521). Algorithms developed to predict the effect of missense changes on protein structure and function are either unavailable or do not agree on the potential impact of this missense change (SIFT: "Tolerated"; PolyPhen-2: "Possibly Damaging"; Align-GVGD: "Class C0"). In summary, the available evidence is currently insufficient to determine the role of this variant in disease. Therefore, it has been classified as a Variant of Uncertain Significance.